The following is an entry in ClinVar:

ClinVar aggregate classification (germline): Uncertain significance (1 of 4 stars; one submission).

Conditions:
Familial hemiplegic migraine. Identifiers: MedGen C0338484, MONDO:0000700.

Submission:

Labcorp Genetics (formerly Invitae), Labcorp
Classification: Uncertain significance for Familial hemiplegic migraine. Last evaluated: 2023-08-11. Review status: criteria provided, single submitter. Criteria: Invitae Variant Classification Sherloc (09022015). Collection method: clinical testing. Allele origin: germline.
Comment: This variant, c.1446_1448del, results in the deletion of 1 amino acid(s) of the ATP1A2 protein (p.Thr483del), but otherwise preserves the integrity of the reading frame. Experimental studies and prediction algorithms are not available or were not evaluated, and the functional significance of this variant is currently unknown. This variant is not present in population databases (gnomAD no frequency). This variant has not been reported in the literature in individuals affected with ATP1A2-related conditions. In summary, the available evidence is currently insufficient to determine the role of this variant in disease. Therefore, it has been classified as a Variant of Uncertain Significance.

NM_000702.4(ATP1A2):c.1446_1448del (p.Thr483del)

Gene: ATP1A2 (ATPase Na+/K+ transporting subunit alpha 2; plus strand). Cytogenetic location: 1q23.2.
Variant type: Deletion.
Coding change: c.1446_1448del on transcript NM_000702.4 (MANE Select); coding-DNA positions 1446 to 1448, 3 bases deleted (TAC; older notation c.1446_1448delTAC).
Protein change: p.Thr483del; deletes threonine 483.
Molecular consequence: inframe deletion.
Genome position (GRCh38, 1-based): chr1:160,129,385-160,129,387, TAC deleted; deleting any 3 consecutive bases within chr1:160,129,384-160,129,387 gives the same sequence; the c. name uses the placement nearest the transcript's 3' end. VCF-style (leftmost placement, unchanged base first): chr1-160129383-TCTA-T. GRCh37 (hg19) VCF-style: chr1-160099173-TCTA-T.
Other names: short protein forms T483del.
Identifiers: ClinVar variation 2752191 (VCV002752191.3), dbSNP rs2524870054, ClinGen allele CA2697554608.